The following is an entry in ClinVar:

NC_000023.11:g.(?_101346475)_(101348757_?)del

Gene: TIMM8A (translocase of inner mitochondrial membrane 8A; minus strand). Cytogenetic location: Xq22.1.
Variant type: Deletion.
Identifiers: ClinVar variation 929951 (VCV000929951.4).

ClinVar aggregate classification (germline): Pathogenic (1 of 4 stars; one submission).

Conditions:
Deafness dystonia syndrome (MTS). Also called: Deafness-Dystonia-Optic Neuronopathy Syndrome; OPTICOACOUSTIC NERVE ATROPHY WITH DEMENTIA; DEAFNESS SYNDROME, PROGRESSIVE, WITH BLINDNESS, DYSTONIA, FRACTURES, AND MENTAL DEFICIENCY; DEAFNESS-DYSTONIA-OPTIC ATROPHY SYNDROME; DYSTONIA-DEAFNESS SYNDROME, X-LINKED; Opticoacustic nerve atrophy with dementia. Identifiers: Orphanet 52368, MedGen C0796074, MONDO:0010578, OMIM 304700.

Submission:

Laboratory for Molecular Medicine, Mass General Brigham Personalized Medicine
Classification: Pathogenic for Deafness dystonia syndrome. Last evaluated: 2019-03-13. Review status: criteria provided, single submitter. Criteria: LMM Criteria. Collection method: clinical testing. Allele origin: germline. Inheritance: X-linked inheritance. Observed: 1 variant allele.
Comment: The whole gene deletion of TIMM8A is pathogenic for X-linked Mohr-Tranebjaerg syndrome, as loss-of-function of the TIMM8A gene is an established disease mechanism for this condition. However, it should be noted that the breakpoints of this deletion could not be determined due to limitations of the testing methodology, and large deletions encompassing TIMM8A and nearby genes have been reported in ClinVar and DECIPHER. A microarray may be indicated to determine the size of the deletion and involvement of nearby genes.

Literature cited by the submitters: PubMed 17936919; PubMed 17851739; PubMed 8841189; PubMed 15037720.